The following is an entry in ClinVar:

NM_020779.4(WDR35):c.1089G>A (p.Thr363=)

Gene: WDR35 (WD repeat domain 35; minus strand). Cytogenetic location: 2p24.1.
Variant type: single nucleotide variant.
Coding change: c.1089G>A on transcript NM_020779.4 (MANE Select); coding-DNA position 1089, G replaced by A.
Protein change: p.Thr363=; no amino-acid change (threonine 363 retained).
Molecular consequence: synonymous variant.
Genome position (GRCh38, 1-based): chr2:19,966,829, C>T on the plus strand (G>A on the coding strand, the complement: WDR35 is on the minus strand). VCF-style: chr2-19966829-C-T. GRCh37 (hg19) VCF-style: chr2-20166590-C-T.
Other names: p.Thr363=; c.1089G>A, p.Thr363= (NM_001006657.2).
Identifiers: ClinVar variation 333396 (VCV000333396.31), dbSNP rs79829477, ClinGen allele CA1543347.
Genomic context (GRCh38, chr2:19,966,829, plus strand): 5'-TCCACAGGTAGTAATAGAAATGAGACCCTTCACATATTTAACATATTTTTCATTGTTTTT[C>T]GTATCCCAGAAGACAACACAATATTCTGGACGATCAGGTCTGGTATATGCATAAACTACA-3'
Protein context (NP_065830.2, residues 353-373): RPEYCVVFWD[Thr363=]KNNEKYVKYV

ClinVar aggregate classification (germline): Benign. Review status: criteria provided, multiple submitters, no conflicts (2 of 4 stars). 7 submissions from 6 submitters: Benign (7). Last evaluated 2026-01-27.

Conditions:
Cranioectodermal dysplasia 2 (CED2). Identifiers: Orphanet 1515, MedGen C3150874, MONDO:0013323, OMIM 613610.
Short-rib thoracic dysplasia 7 with or without polydactyly (SRTD7). Also called: Short rib polydactyly syndrome 5; SHORT-RIB THORACIC DYSPLASIA 7 WITH POLYDACTYLY. Identifiers: Orphanet 498497, Orphanet 93271, MedGen C3279792, MONDO:0013569, OMIM 614091.

Allele frequency attached by ClinVar (database versions not stated): gnomAD exomes 0.00100 and 0.00194; ExAC 0.00233; 1000 Genomes Project 0.00599; 1000 Genomes Project 30x 0.00750; gnomAD 0.00754 and 0.00817; ESP Exome Variant Server 0.00815; TOPMed 0.00850.
gnomAD v4.1: 2,627 of 1,613,814 alleles (0.16%); highest among the groups gnomAD compares: African/African-American, 2.8%; 33 homozygotes.

Submissions (7):

Labcorp Genetics (formerly Invitae), Labcorp
Classification: Benign for Cranioectodermal dysplasia 2; Short-rib thoracic dysplasia 7 with or without polydactyly. Last evaluated: 2026-01-27. Review status: criteria provided, single submitter. Criteria: Invitae Variant Classification Sherloc (09022015). Collection method: clinical testing. Allele origin: germline.

ARUP Laboratories, Molecular Genetics and Genomics, ARUP Laboratories
Classification: Benign. Last evaluated: 2023-09-21. Review status: criteria provided, single submitter. Criteria: ARUP Molecular Germline Variant Investigation Process 2024. Collection method: clinical testing. Allele origin: germline.

Mayo Clinic Laboratories, Mayo Clinic
Classification: Benign. Last evaluated: 2022-12-01. Review status: criteria provided, single submitter. Criteria: ACMG Guidelines, 2015. Collection method: clinical testing. Allele origin: germline. Observed: 2 variant alleles.
Comment: BS1, BS2, BP4, BP7

GeneDx
Classification: Benign. Last evaluated: 2020-05-28. Review status: criteria provided, single submitter. Criteria: GeneDx Variant Classification Process June 2021. Collection method: clinical testing. Allele origin: germline. Affected: yes.

Illumina Laboratory Services, Illumina
Classification: Benign for Short-rib thoracic dysplasia 7 with or without polydactyly. Last evaluated: 2018-01-13. Review status: criteria provided, single submitter. Criteria: ICSL Variant Classification Criteria 13 December 2019. Collection method: clinical testing. Allele origin: germline.
Comment: This variant was observed in the ICSL laboratory as part of a predisposition screen in an ostensibly healthy population. It had not been previously curated by ICSL or reported in the Human Gene Mutation Database (HGMD: prior to June 1st, 2018), and was therefore a candidate for classification through an automated scoring system. Utilizing variant allele frequency, disease prevalence and penetrance estimates, and inheritance mode, an automated score was calculated to assess if this variant is too frequent to cause the disease. Based on the score and internal cut-off values, a variant classified as benign is not then subjected to further curation. The score for this variant resulted in a classification of benign for this disease.

Illumina Laboratory Services, Illumina
Classification: Benign for Cranioectodermal dysplasia 2. Last evaluated: 2018-01-13. Review status: criteria provided, single submitter. Criteria: ICSL Variant Classification Criteria 13 December 2019. Collection method: clinical testing. Allele origin: germline.
Comment: the same text as in the submission from Illumina Laboratory Services, Illumina above.

Breakthrough Genomics
Classification: Benign. Review status: criteria provided, single submitter. Criteria: ACMG Guidelines, 2015. Collection method: not provided. Allele origin: germline. Inheritance: Autosomal recessive inheritance. Affected: yes.